The following is an entry in ClinVar:

NM_001844.5(COL2A1):c.2494C>G (p.Pro832Ala)

Gene: COL2A1 (collagen type II alpha 1 chain; minus strand). Cytogenetic location: 12q13.11.
Variant type: single nucleotide variant.
Coding change: c.2494C>G on transcript NM_001844.5 (MANE Select); coding-DNA position 2494, C replaced by G.
Protein change: p.Pro832Ala; replaces proline 832 with alanine.
Molecular consequence: missense variant.
Genome position (GRCh38, 1-based): chr12:47,980,938, G>C on the plus strand (C>G on the coding strand, the complement: COL2A1 is on the minus strand). VCF-style: chr12-47980938-G-C. GRCh37 (hg19) VCF-style: chr12-48374721-G-C.
Other names: c.2287C>G, p.Pro763Ala (NM_033150.3); short protein forms P763A, P832A.
Identifiers: ClinVar variation 1961902 (VCV001961902.5), dbSNP rs748306980, ClinGen allele CA6535071.

ClinVar aggregate classification (germline): Uncertain significance (1 of 4 stars; one submission).

Allele frequency attached by ClinVar (database versions not stated): TOPMed 0.00001.
gnomAD v4.1: 3 of 1,552,444 alleles (0.00019%); highest among the groups gnomAD compares: Admixed American, 0.002%; no homozygotes.

Submission:

Labcorp Genetics (formerly Invitae), Labcorp
Classification: Uncertain significance. Last evaluated: 2024-07-03. Review status: criteria provided, single submitter. Criteria: Invitae Variant Classification Sherloc (09022015). Collection method: clinical testing. Allele origin: germline.
Comment: This sequence change replaces proline, which is neutral and non-polar, with alanine, which is neutral and non-polar, at codon 832 of the COL2A1 protein (p.Pro832Ala). This variant is not present in population databases (gnomAD no frequency). This variant has not been reported in the literature in individuals affected with COL2A1-related conditions. ClinVar contains an entry for this variant (Variation ID: 1961902). Advanced modeling of protein sequence and biophysical properties (such as structural, functional, and spatial information, amino acid conservation, physicochemical variation, residue mobility, and thermodynamic stability) performed at Invitae indicates that this missense variant is not expected to disrupt COL2A1 protein function with a negative predictive value of 95%. In summary, the available evidence is currently insufficient to determine the role of this variant in disease. Therefore, it has been classified as a Variant of Uncertain Significance.